The following is an entry in ClinVar:

NM_002528.7(NTHL1):c.295del (p.Asp99fs)

Gene: NTHL1 (nth like DNA glycosylase 1; minus strand). Cytogenetic location: 16p13.3.
Variant type: Deletion.
Coding change: c.295del on transcript NM_002528.7 (MANE Select); coding-DNA position 295, one base deleted (G; older notation c.295delG).
Protein change: p.Asp99fs; shifts the reading frame from aspartic acid 99.
Molecular consequence: frameshift variant. On other transcripts: intron variant (1).
Genome position (GRCh38, 1-based): chr16:2,046,187, C deleted on the plus strand (G on the coding strand, the reverse complement: NTHL1 is on the minus strand); the first of 2 consecutive C bases (chr16:2,046,187-2,046,188); deleting either gives the same sequence. VCF-style (leftmost placement, unchanged base first): chr16-2046186-TC-T. GRCh37 (hg19) VCF-style: chr16-2096187-TC-T.
Other names: c.295del, p.Asp99fs (NM_001318193.2); c.24+93del (NM_001318194.2); short protein forms D99fs.
Identifiers: ClinVar variation 5025924 (VCV005025924.1).
Genomic context (GRCh38, chr16:2,046,186, plus strand): 5'-ACCTTTGGGGGGGCACTGGAGTCATAGCAGTGCTCAGTCCCCAGATGGTCCACAGGTGCA[TC>T]CTTTTTGTTCCTCATGGCACGGATGTTGACCAGCTGTTGCTGCCAGTCCTGGGGCTCCCA-3'

ClinVar aggregate classification (germline): Pathogenic (1 of 4 stars; one submission).

Conditions:
Hereditary cancer-predisposing syndrome. Also called: Neoplastic Syndromes, Hereditary; Tumor predisposition; Hereditary neoplastic syndrome; Hereditary Cancer Syndrome. Identifiers: Orphanet 140162, MedGen C0027672, MeSH D009386, MONDO:0015356.

Submission:

Ambry Genetics
Classification: Pathogenic for Hereditary cancer-predisposing syndrome. Last evaluated: 2026-09-14. Review status: criteria provided, single submitter. Criteria: Ambry Variant Classification Scheme 2023. Collection method: clinical testing. Allele origin: germline.
Comment: The c.319delG pathogenic mutation, located in coding exon 2 of the NTHL1 gene, results from a deletion of one nucleotide at nucleotide position 319, causing a translational frameshift with a predicted alternate stop codon (p.D107Mfs*30). This variant is considered to be rare based on population cohorts in the Genome Aggregation Database (gnomAD). This alteration is expected to result in loss of function by premature protein truncation or nonsense-mediated mRNA decay. As such, this alteration is interpreted as a disease-causing mutation.